The following is an entry in ClinVar:

ClinVar aggregate classification (germline): Benign. Review status: criteria provided, multiple submitters, no conflicts (2 of 4 stars). 4 submissions from 4 submitters: Benign (4). Last evaluated 2026-01-11.

Conditions:
Febrile seizures, familial, 8 (FEB8). Also called: CONVULSIONS, FAMILIAL FEBRILE, 8. Identifiers: Orphanet 36387, MedGen C1969810, MONDO:0011891, OMIM 607681.
EPILEPSY, CHILDHOOD ABSENCE, SUSCEPTIBILITY TO, 2 (ECA2). Identifiers: Orphanet 64280, MedGen C1843244, OMIM 607681.

Allele frequency attached by ClinVar (database versions not stated): gnomAD exomes 0.00025 and 0.00091; gnomAD 0.00029 and 0.00046; TOPMed 0.00038; ExAC 0.00070; 1000 Genomes Project 30x 0.00312; 1000 Genomes Project 0.00379.
gnomAD v4.1: 444 of 1,613,406 alleles (0.028%); highest among the groups gnomAD compares: East Asian, 0.9%; 3 homozygotes.

Submissions (4):

Labcorp Genetics (formerly Invitae), Labcorp
Classification: Benign for Febrile seizures, familial, 8; EPILEPSY, CHILDHOOD ABSENCE, SUSCEPTIBILITY TO, 2. Last evaluated: 2026-01-11. Review status: criteria provided, single submitter. Criteria: Invitae Variant Classification Sherloc (09022015). Collection method: clinical testing. Allele origin: germline.

Blueprint Genetics
Classification: Benign. Last evaluated: 2024-07-10. Review status: criteria provided, single submitter. Criteria: ACMG Guidelines, 2015. Collection method: clinical testing. Allele origin: germline.

ARUP Laboratories, Molecular Genetics and Genomics, ARUP Laboratories
Classification: Benign. Last evaluated: 2023-12-21. Review status: criteria provided, single submitter. Criteria: ARUP Molecular Germline Variant Investigation Process 2024. Collection method: clinical testing. Allele origin: germline.

GeneDx
Classification: Benign. Last evaluated: 2013-05-29. Review status: criteria provided, single submitter. Criteria: GeneDx Variant Classification (06012015). Collection method: clinical testing. Allele origin: germline. Affected: yes.
Comment: This variant is considered likely benign or benign based on one or more of the following criteria: it is a conservative change, it occurs at a poorly conserved position in the protein, it is predicted to be benign by multiple in silico algorithms, and/or has population frequency not consistent with disease.

NM_198904.4(GABRG2):c.922+20G>A

Gene: GABRG2 (gamma-aminobutyric acid type A receptor subunit gamma2; plus strand). Cytogenetic location: 5q34.
Variant type: single nucleotide variant.
Coding change: c.922+20G>A on transcript NM_198904.4 (MANE Select); 20 bases into the intron after coding-DNA position 922, G replaced by A.
Molecular consequence: intron variant.
Genome position (GRCh38, 1-based): chr5:162,142,336, G>A. VCF-style: chr5-162142336-G-A. GRCh37 (hg19) VCF-style: chr5-161569342-G-A.
Other names: c.637+20G>A (NM_001375349.1); c.1042+20G>A (NM_001375343.1, NM_198903.2); c.961+20G>A (NM_001375344.1); c.922+20G>A (NM_001375340.1, NM_000816.3); c.919+20G>A (NM_001375341.1, NM_001375342.1); c.502+20G>A (NM_001375350.1, NM_001375348.1); c.913+20G>A (NM_001375339.1); c.856+20G>A (NM_001375346.1, NM_001375345.1); and 1 more.
Identifiers: ClinVar variation 137431 (VCV000137431.11), dbSNP rs11575991, ClinGen allele CA291011.